The following is an entry in ClinVar:

NM_024675.4(PALB2):c.278G>A (p.Gly93Glu)

Gene: PALB2 (partner and localizer of BRCA2; minus strand). Cytogenetic location: 16p12.2.
Variant type: single nucleotide variant.
Coding change: c.278G>A on transcript NM_024675.4 (MANE Select); coding-DNA position 278, G replaced by A.
Protein change: p.Gly93Glu; replaces glycine 93 with glutamic acid.
Molecular consequence: missense variant.
Genome position (GRCh38, 1-based): chr16:23,636,268, C>T on the plus strand (G>A on the coding strand, the complement: PALB2 is on the minus strand). VCF-style: chr16-23636268-C-T. GRCh37 (hg19) VCF-style: chr16-23647589-C-T.
Other names: short protein forms G93E.
Identifiers: ClinVar variation 482006 (VCV000482006.16), dbSNP rs761863504, ClinGen allele CA395138845.

ClinVar aggregate classification (germline): Uncertain significance. Review status: criteria provided, multiple submitters, no conflicts (2 of 4 stars). 4 submissions from 4 submitters: Uncertain significance (4). Last evaluated 2025-11-09.

Conditions:
Familial cancer of breast. Also called: BREAST CANCER, FAMILIAL; Hereditary breast cancer; hereditary breast carcinoma. Identifiers: Orphanet 227535, MedGen C0346153, MONDO:0016419, OMIM 114480. Disease mechanism: loss of function.
Hereditary cancer-predisposing syndrome. Also called: Neoplastic Syndromes, Hereditary; Tumor predisposition; Hereditary Cancer Syndrome; Hereditary neoplastic syndrome. Identifiers: Orphanet 140162, MedGen C0027672, MeSH D009386, MONDO:0015356.

Submissions (4):

Ambry Genetics
Classification: Uncertain significance for Hereditary cancer-predisposing syndrome. Last evaluated: 2025-11-09. Review status: criteria provided, single submitter. Criteria: Ambry Variant Classification Scheme 2023. Collection method: clinical testing. Allele origin: germline.
Comment: The p.G93E variant (also known as c.278G>A), located in coding exon 4 of the PALB2 gene, results from a G to A substitution at nucleotide position 278. The glycine at codon 93 is replaced by glutamic acid, an amino acid with similar properties. This amino acid position is not well conserved in available vertebrate species. In addition, this alteration is predicted to be tolerated by in silico analysis. Since supporting evidence is limited at this time, the clinical significance of this alteration remains unclear.

Labcorp Genetics (formerly Invitae), Labcorp
Classification: Uncertain significance for Familial cancer of breast. Last evaluated: 2025-09-03. Review status: criteria provided, single submitter. Criteria: Invitae Variant Classification Sherloc (09022015). Collection method: clinical testing. Allele origin: germline.
Comment: This sequence change replaces glycine, which is neutral and non-polar, with glutamic acid, which is acidic and polar, at codon 93 of the PALB2 protein (p.Gly93Glu). This variant is not present in population databases (gnomAD no frequency). This variant has not been reported in the literature in individuals affected with PALB2-related conditions. ClinVar contains an entry for this variant (Variation ID: 482006). An algorithm developed to predict the effect of missense changes on protein structure and function (PolyPhen-2) suggests that this variant is likely to be tolerated. Experimental studies are conflicting or provide insufficient evidence to determine the effect of this variant on PALB2 function (PMID: 30337689). In summary, the available evidence is currently insufficient to determine the role of this variant in disease. Therefore, it has been classified as a Variant of Uncertain Significance.

GeneDx
Classification: Uncertain significance. Last evaluated: 2022-08-31. Review status: criteria provided, single submitter. Criteria: GeneDx Variant Classification Process June 2021. Collection method: clinical testing. Allele origin: germline. Affected: yes.
Comment: Not observed at significant frequency in large population cohorts (gnomAD); In silico analysis supports that this missense variant does not alter protein structure/function; In vitro studies show strong association with BRCA1 and modest checkpoint activation but are inconclusive for pathogenicity (Simhadri et al., 2019); This variant is associated with the following publications: (PMID: 20871615, 19369211, 30337689)

Color Diagnostics, LLC DBA Color Health
Classification: Uncertain significance for Hereditary cancer-predisposing syndrome. Last evaluated: 2019-04-01. Review status: criteria provided, single submitter. Criteria: ACMG Guidelines, 2015. Collection method: clinical testing. Allele origin: germline.

Literature cited by the submitters: PubMed 30337689 (cited by Labcorp Genetics (formerly Invitae), Labcorp).